The following is an entry in ClinVar:

ClinVar aggregate classification (germline): Uncertain significance (1 of 4 stars; one submission).

Allele frequency attached by ClinVar (database versions not stated): gnomAD exomes below 0.00001 and 0.00001; ExAC 0.00001.

Submission:

Labcorp Genetics (formerly Invitae), Labcorp
Classification: Uncertain significance. Last evaluated: 2021-12-15. Review status: criteria provided, single submitter. Criteria: Invitae Variant Classification Sherloc (09022015). Collection method: clinical testing. Allele origin: germline.
Comment: This variant has not been reported in the literature in individuals affected with DCHS1-related conditions. This variant is present in population databases (rs763842304, gnomAD 0.0009%). This sequence change replaces glycine, which is neutral and non-polar, with alanine, which is neutral and non-polar, at codon 1087 of the DCHS1 protein (p.Gly1087Ala). In summary, the available evidence is currently insufficient to determine the role of this variant in disease. Therefore, it has been classified as a Variant of Uncertain Significance. Advanced modeling of protein sequence and biophysical properties (such as structural, functional, and spatial information, amino acid conservation, physicochemical variation, residue mobility, and thermodynamic stability) performed at Invitae indicates that this missense variant is not expected to disrupt DCHS1 protein function.

NM_003737.4(DCHS1):c.3260G>C (p.Gly1087Ala)

Gene: DCHS1 (dachsous cadherin-related 1; minus strand). Cytogenetic location: 11p15.4.
Variant type: single nucleotide variant.
Coding change: c.3260G>C on transcript NM_003737.4 (MANE Select); coding-DNA position 3260, G replaced by C.
Protein change: p.Gly1087Ala; replaces glycine 1087 with alanine.
Molecular consequence: missense variant.
Genome position (GRCh38, 1-based): chr11:6,632,252, C>G on the plus strand (G>C on the coding strand, the complement: DCHS1 is on the minus strand). VCF-style: chr11-6632252-C-G. GRCh37 (hg19) VCF-style: chr11-6653483-C-G.
Other names: short protein forms G1087A.
Identifiers: ClinVar variation 1496511 (VCV001496511.6), dbSNP rs763842304, ClinGen allele CA5860580.